The following is an entry in ClinVar:

NM_032108.4(SEMA6B):c.279del (p.Thr94fs)

Gene: SEMA6B (semaphorin 6B; minus strand). Cytogenetic location: 19p13.3.
Variant type: Deletion.
Coding change: c.279del on transcript NM_032108.4 (MANE Select); coding-DNA position 279, one base deleted (C; older notation c.279delC).
Protein change: p.Thr94fs; shifts the reading frame from threonine 94.
Molecular consequence: frameshift variant.
Genome position (GRCh38, 1-based): chr19:4,557,190, G deleted on the plus strand (C on the coding strand, the reverse complement: SEMA6B is on the minus strand); the first of 6 consecutive G bases (chr19:4,557,190-4,557,195); deleting any one gives the same sequence. VCF-style (leftmost placement, unchanged base first): chr19-4557189-TG-T. GRCh37 (hg19) VCF-style: chr19-4557201-TG-T.
Other names: short protein forms T94fs.
Identifiers: ClinVar variation 3254901 (VCV003254901.1), dbSNP rs1370123700.

ClinVar aggregate classification (germline): Uncertain significance (1 of 4 stars; one submission).

Conditions:
Epilepsy, progressive myoclonic, 11. Identifiers: MedGen C5394362, MONDO:0030034, OMIM 618876.

Submission:

Victorian Clinical Genetics Services, Murdoch Childrens Research Institute
Classification: Uncertain significance for Epilepsy, progressive myoclonic, 11. Last evaluated: 2023-07-16. Review status: criteria provided, single submitter. Criteria: ACMG Guidelines, 2015. Collection method: clinical testing. Allele origin: germline. Inheritance: Autosomal dominant inheritance. Affected: yes.
Comment: Based on the classification scheme VCGS_Germline_v1.3.4, this variant is classified as VUS-3C. Following criteria are met: 0105 - The mechanism of disease for this gene is not clearly established. However, dominant negative is a likely mechanism for variants resulting in truncation within the last exon (PMID: 35604360). (I) 0107 - This gene is associated with autosomal dominant disease. (I) 0201 - Variant is predicted to cause nonsense-mediated decay (NMD) and loss of protein (premature termination codon is located at least 54 nucleotides upstream of the final exon-exon junction). (SP) 0251 - This variant is heterozygous. (I) 0301 - Variant is absent from gnomAD (both v2 and v3). (SP) 0708 - Other NMD-predicted variants comparable to the one identified in this case have conflicting previous evidence for pathogenicity. These variants have been described as likely pathogenic in an individual with seizures, and as a VUS in a child with features including learning difficulties and resolving epilepsy. However, the latter variant was also observed in three unaffected adults (ClinVar, PMID: 35604360). (I) 0807 - This variant has no previous evidence of pathogenicity. (I) 0905 - No published segregation evidence has been identified for this variant. (I) 1007 - No published functional evidence has been identified for this variant. (I) Legend: (SP) - Supporting pathogenic, (I) - Information, (SB) - Supporting benign

Literature cited by the submitters: PubMed 35604360.